The following is an entry in ClinVar:

ClinVar aggregate classification (germline): Pathogenic (1 of 4 stars; one submission).

Conditions:
Osteogenesis imperfecta type 7 (OI7). Also called: OSTEOGENESIS IMPERFECTA, TYPE IIB; Osteogenesis imperfecta type 2B; OI type 2B; Osteogenesis imperfecta, perinatal lethal autosomal recessive; OI type IIB; OI type 7. Identifiers: MedGen C1853162, MONDO:0012536, OMIM 610682.

Submission:

Labcorp Genetics (formerly Invitae), Labcorp
Classification: Pathogenic for Osteogenesis imperfecta type 7. Last evaluated: 2023-04-12. Review status: criteria provided, single submitter. Criteria: Invitae Variant Classification Sherloc (09022015). Collection method: clinical testing. Allele origin: germline.
Comment: This sequence change creates a premature translational stop signal (p.Glu137*) in the CRTAP gene. It is expected to result in an absent or disrupted protein product. Loss-of-function variants in CRTAP are known to be pathogenic (PMID: 17055431, 19862557, 24715559). This variant is not present in population databases (gnomAD no frequency). This variant has not been reported in the literature in individuals affected with CRTAP-related conditions. For these reasons, this variant has been classified as Pathogenic.

Literature cited by the submitters: PubMed 17055431; PubMed 19862557; PubMed 24715559.

NM_006371.5(CRTAP):c.409G>T (p.Glu137Ter)

Gene: CRTAP (cartilage associated protein; plus strand). Cytogenetic location: 3p22.3.
Variant type: single nucleotide variant.
Coding change: c.409G>T on transcript NM_006371.5 (MANE Select); coding-DNA position 409, G replaced by T.
Protein change: p.Glu137Ter; replaces glutamic acid 137 with a stop codon.
Molecular consequence: nonsense.
Genome position (GRCh38, 1-based): chr3:33,114,486, G>T. VCF-style: chr3-33114486-G-T. GRCh37 (hg19) VCF-style: chr3-33155978-G-T.
Other names: c.409G>T, p.Glu137Ter (NM_001393363.1, NM_001393364.1, NM_001393365.1); short protein forms E137*.
Identifiers: ClinVar variation 2855717 (VCV002855717.3), dbSNP rs747496610, ClinGen allele CA352008791.
Genomic context (GRCh38, chr3:33,114,486, plus strand): 5'-CACTGCCTCAAGCGCTGCAAGCAGGGCCTGCCAGCCTTCCGCCAGTCCCAGCCCAGCCGC[G>T]AGGTGCTGGCGGACTTCCAGCGCCGCGAGCCCTACAAGTTCCTGCAGTTCGCTTACTTCA-3'